The following is an entry in ClinVar:

ClinVar aggregate classification (germline): Pathogenic (1 of 4 stars; one submission).

Conditions:
Retinoblastoma (RB1). Also called: RETINOBLASTOMA, SOMATIC. Identifiers: Orphanet 790, MedGen C0035335, MeSH D012175, MONDO:0008380, OMIM 180200, HP:0009919. Disease mechanism: loss of function. Inheritance: Both sporadic and heritable forms are tested..

Submission:

Genetic Diagnostic Laboratory, University of Pennsylvania School of Medicine
Classification: Pathogenic for Retinoblastoma. Last evaluated: 2024-05-20. Review status: criteria provided, single submitter. Criteria: ACMG Guidelines, 2015. Collection method: clinical testing. Allele origin: germline. Affected: yes. Observed: 1 variant allele.
Comment: Case and Pedigree Information: BILATERAL CASES:1, UNILATERAL CASES:0, TOTAL CASES:1, PEDIGREES:1. ACMG Codes Applied:PVS1, PM2

NM_000321.3(RB1):c.1084dup (p.Leu362fs)

Gene: RB1 (RB transcriptional corepressor 1; plus strand). Cytogenetic location: 13q14.2.
Variant type: Duplication.
Coding change: c.1084dup on transcript NM_000321.3 (MANE Select); coding-DNA position 1084, one base duplicated (C; older notation c.1084dupC).
Protein change: p.Leu362fs; shifts the reading frame from leucine 362.
Molecular consequence: frameshift variant.
Genome position (GRCh38, 1-based): chr13:48,368,561, C duplicated; the last of 2 consecutive C bases (chr13:48,368,560-48,368,561); duplicating either gives the same sequence. VCF-style (leftmost placement, unchanged base first): chr13-48368559-A-AC. GRCh37 (hg19) VCF-style: chr13-48942695-A-AC.
Other names: c.1084dup, p.Leu362fs (NM_001407165.1, NM_001407166.1); short protein forms L362fs.
Identifiers: ClinVar variation 3236952 (VCV003236952.1), dbSNP rs2542189840.